The following is an entry in ClinVar:

ClinVar aggregate classification (germline): Likely benign (1 of 4 stars; one submission).

Conditions:
EXPH5-related disorder. Also called: EXPH5-related condition.

gnomAD v4.1: 175 of 1,603,036 alleles (0.011%); highest among the groups gnomAD compares: African/African-American, 0.063%; 1 homozygote.

Submission:

PreventionGenetics, part of Exact Sciences
Classification: Likely benign for EXPH5-related condition. Last evaluated: 2025-11-04. Review status: criteria provided, single submitter. Criteria: ACMG Guidelines, 2015. Collection method: clinical testing. Allele origin: germline.
Comment: This variant is classified as likely benign based on ACMG/AMP sequence variant interpretation guidelines (Richards et al. 2015 PMID: 25741868, with internal and published modifications).

NM_015065.3(EXPH5):c.4218C>T (p.Ser1406=)

Gene: EXPH5 (exophilin 5; minus strand). Cytogenetic location: 11q22.3.
Variant type: single nucleotide variant.
Coding change: c.4218C>T on transcript NM_015065.3 (MANE Select); coding-DNA position 4218, C replaced by T.
Protein change: p.Ser1406=; no amino-acid change (serine 1406 retained).
Molecular consequence: synonymous variant.
Genome position (GRCh38, 1-based): chr11:108,511,289, G>A on the plus strand (C>T on the coding strand, the complement: EXPH5 is on the minus strand). VCF-style: chr11-108511289-G-A. GRCh37 (hg19) VCF-style: chr11-108382016-G-A.
Other names: c.3990C>T, p.Ser1330= (NM_001144763.2, NM_001441061.1, NM_001441067.1 and 5 more transcripts); c.3750C>T, p.Ser1250= (NM_001144764.2); c.3654C>T, p.Ser1218= (NM_001144765.2); c.4197C>T, p.Ser1399= (NM_001308019.2); c.4215C>T, p.Ser1405= (NM_001441059.1); c.4194C>T, p.Ser1398= (NM_001441060.1); c.3987C>T, p.Ser1329= (NM_001441073.1, NM_001441074.1, NM_001441075.1); c.3747C>T, p.Ser1249= (NM_001441076.1).
Identifiers: ClinVar variation 4981710 (VCV004981710.1).
Genomic context (GRCh38, chr11:108,511,289, plus strand): 5'-ACTAGAGGGACCACTGTTACTTGAATTAATGGATTGTTGACAATTTTCAGATTTTTCTTC[G>A]GATACATTTTTTCTCTGAAGCATCAATGAAGTATGCAGGGTTTCACTTTGCAACTTTTTG-3'
Protein context (NP_055880.2, residues 1396-1416): TSLMLQRKNV[Ser1406=]EEKSENCQQS